The following is an entry in ClinVar:

NM_003803.4(MYOM1):c.2197G>A (p.Gly733Arg)

Gene: MYOM1 (myomesin 1; minus strand). Cytogenetic location: 18p11.31.
Variant type: single nucleotide variant.
Coding change: c.2197G>A on transcript NM_003803.4 (MANE Select); coding-DNA position 2197, G replaced by A.
Protein change: p.Gly733Arg; replaces glycine 733 with arginine.
Molecular consequence: missense variant.
Genome position (GRCh38, 1-based): chr18:3,135,559, C>T on the plus strand (G>A on the coding strand, the complement: MYOM1 is on the minus strand). VCF-style: chr18-3135559-C-T. GRCh37 (hg19) VCF-style: chr18-3135557-C-T.
Other names: c.2197G>A, p.Gly733Arg (NM_019856.2); short protein forms G733R.
Identifiers: ClinVar variation 1396287 (VCV001396287.6), dbSNP rs2079944241, ClinGen allele CA401712895.

ClinVar aggregate classification (germline): Uncertain significance (1 of 4 stars; one submission).

Conditions:
Hypertrophic cardiomyopathy. Also called: HYPERTROPHIC MYOCARDIOPATHY. Identifiers: Orphanet 217569, MedGen C0007194, MeSH D002312, MONDO:0005045, HP:0001639.

Allele frequency attached by ClinVar (database versions not stated): TOPMed below 0.00001; gnomAD 0.00001.
gnomAD v4.1: 1 of 1,613,446 alleles (0.000062%); highest among the groups gnomAD compares: Non-Finnish European, 0.000085%; no homozygotes.

Submission:

Labcorp Genetics (formerly Invitae), Labcorp
Classification: Uncertain significance for Hypertrophic cardiomyopathy. Last evaluated: 2021-12-03. Review status: criteria provided, single submitter. Criteria: Invitae Variant Classification Sherloc (09022015). Collection method: clinical testing. Allele origin: germline.
Comment: In summary, the available evidence is currently insufficient to determine the role of this variant in disease. Therefore, it has been classified as a Variant of Uncertain Significance. Algorithms developed to predict the effect of sequence changes on RNA splicing suggest that this variant may create or strengthen a splice site. Algorithms developed to predict the effect of missense changes on protein structure and function are either unavailable or do not agree on the potential impact of this missense change (SIFT: "Deleterious"; PolyPhen-2: "Probably Damaging"; Align-GVGD: "Class C0"). This variant has not been reported in the literature in individuals affected with MYOM1-related conditions. This variant is not present in population databases (gnomAD no frequency). This sequence change replaces glycine, which is neutral and non-polar, with arginine, which is basic and polar, at codon 733 of the MYOM1 protein (p.Gly733Arg).